The following is an entry in ClinVar:

ClinVar aggregate classification (germline): Pathogenic. Review status: criteria provided, multiple submitters, no conflicts (2 of 4 stars). 3 submissions from 3 submitters: Pathogenic (3). Last evaluated 2023-03-01.

Conditions:
Familial X-linked hypophosphatemic vitamin D refractory rickets (XLHRD). Also called: Hypophosphatemia, vitamin D-resistant rickets; Vitamin D-resistant rickets, X-linked; X-Linked Hypophosphatemia; Hypophosphatemic Rickets, X-Linked Dominant; HYPOPHOSPHATEMIC VITAMIN D-RESISTANT RICKETS. Identifiers: Orphanet 89936, MedGen C0733682, MONDO:0010619, OMIM 307800.

Submissions (3):

Labcorp Genetics (formerly Invitae), Labcorp
Classification: Pathogenic. Last evaluated: 2023-03-01. Review status: criteria provided, single submitter. Criteria: Invitae Variant Classification Sherloc (09022015). Collection method: clinical testing. Allele origin: germline.
Comment: This variant is not present in population databases (gnomAD no frequency). This sequence change affects a donor splice site in intron 18 of the PHEX gene. RNA analysis indicates that disruption of this splice site induces altered splicing and may result in an absent or disrupted protein product. Disruption of this splice site has been observed in individuals with hypophosphatemia (PMID: 19219621, 21050253). ClinVar contains an entry for this variant (Variation ID: 447937). Studies have shown that disruption of this splice site results in skipping of exon 18 and introduces a premature termination codon (PMID: 31102713). The resulting mRNA is expected to undergo nonsense-mediated decay. For these reasons, this variant has been classified as Pathogenic.

Mendelics
Classification: Pathogenic for Familial X-linked hypophosphatemic vitamin D refractory rickets. Last evaluated: 2019-05-28. Review status: criteria provided, single submitter. Criteria: Mendelics Assertion Criteria 2017. Collection method: clinical testing. Allele origin: unknown.

Athena Diagnostics
Classification: Pathogenic. Last evaluated: 2017-01-17. Review status: criteria provided, single submitter. Criteria: Athena Diagnostics Criteria. Collection method: clinical testing. Allele origin: germline.

Literature cited by the submitters: PubMed 19219621 (cited by Labcorp Genetics (formerly Invitae), Labcorp and Athena Diagnostics); PubMed 21050253 (cited by Labcorp Genetics (formerly Invitae), Labcorp); PubMed 31102713 (cited by Labcorp Genetics (formerly Invitae), Labcorp).

NM_000444.6(PHEX):c.1899+1G>A

Genes: PHEX (phosphate regulating endopeptidase X-linked; plus strand), PTCHD1-AS (PTCHD1 and PHEX antisense RNA; minus strand). Cytogenetic location: Xp22.11.
Variant type: single nucleotide variant.
Coding change: c.1899+1G>A on transcript NM_000444.6 (MANE Select); the canonical splice donor site of the intron after coding-DNA position 1899, G replaced by A.
Molecular consequence: splice donor variant.
Genome position (GRCh38, 1-based): chrX:22,221,744, G>A. VCF-style: chrX-22221744-G-A. GRCh37 (hg19) VCF-style: chrX-22239861-G-A.
Other names: c.1899+1G>A (NM_001282754.2).
Identifiers: ClinVar variation 447937 (VCV000447937.10), dbSNP rs1556138769, ClinGen allele CA412573927.